The following is an entry in ClinVar:

ClinVar aggregate classification (germline): Uncertain significance (1 of 4 stars; one submission).

Conditions:
Hereditary cancer-predisposing syndrome. Also called: Neoplastic Syndromes, Hereditary; Tumor predisposition; Hereditary Cancer Syndrome; Hereditary neoplastic syndrome. Identifiers: Orphanet 140162, MedGen C0027672, MeSH D009386, MONDO:0015356.

Submission:

Ambry Genetics
Classification: Uncertain significance for Hereditary cancer-predisposing syndrome. Last evaluated: 2025-12-28. Review status: criteria provided, single submitter. Criteria: Ambry Variant Classification Scheme 2023. Collection method: clinical testing. Allele origin: germline.
Comment: The p.R203S variant (also known as c.609G>T), located in coding exon 6 of the MITF gene, results from a G to T substitution at nucleotide position 609. The arginine at codon 203 is replaced by serine, an amino acid with dissimilar properties. This amino acid position is conserved. In addition, this alteration is predicted to be deleterious by in silico analysis. Based on the available evidence, the clinical significance of this variant remains unclear.

NM_001354604.2(MITF):c.930G>T (p.Arg310Ser)

Gene: MITF (melanocyte inducing transcription factor; plus strand). Cytogenetic location: 3p13.
Variant type: single nucleotide variant.
Coding change: c.930G>T on transcript NM_001354604.2 (MANE Select); coding-DNA position 930, G replaced by T.
Protein change: p.Arg310Ser; replaces arginine 310 with serine.
Molecular consequence: missense variant.
Genome position (GRCh38, 1-based): chr3:69,951,861, G>T. VCF-style: chr3-69951861-G-T. GRCh37 (hg19) VCF-style: chr3-70001012-G-T.
Other names: c.609G>T, p.Arg203Ser (NM_000248.4); c.756G>T, p.Arg252Ser (NM_001184967.2, NM_001354608.2); c.927G>T, p.Arg309Ser (NM_001354605.2); c.909G>T, p.Arg303Ser (NM_001354606.2, NM_006722.3); c.861G>T, p.Arg287Ser (NM_001354607.2); c.591G>T, p.Arg197Ser (NM_198158.3); c.912G>T, p.Arg304Ser (NM_198159.3); c.864G>T, p.Arg288Ser (NM_198177.3); and 1 more; short protein forms R141S, R252S, R287S, R304S, R309S, R197S, R203S, R303S.
Identifiers: ClinVar variation 4841483 (VCV004841483.1).